The following is an entry in ClinVar:

ClinVar aggregate classification (germline): Uncertain significance (1 of 4 stars; one submission).

gnomAD v4.1: 2 of 1,612,614 alleles (0.00012%); highest among the groups gnomAD compares: African/African-American, 0.0027%; no homozygotes.

Submission:

Labcorp Genetics (formerly Invitae), Labcorp
Classification: Uncertain significance. Last evaluated: 2025-02-15. Review status: criteria provided, single submitter. Criteria: Invitae Variant Classification Sherloc (09022015). Collection method: clinical testing. Allele origin: germline.
Comment: This sequence change replaces leucine, which is neutral and non-polar, with methionine, which is neutral and non-polar, at codon 1288 of the ANK1 protein (p.Leu1288Met). This variant is present in population databases (rs773177378, gnomAD 0.007%). This variant has not been reported in the literature in individuals affected with ANK1-related conditions. Invitae Evidence Modeling of protein sequence and biophysical properties (such as structural, functional, and spatial information, amino acid conservation, physicochemical variation, residue mobility, and thermodynamic stability) indicates that this missense variant is not expected to disrupt ANK1 protein function with a negative predictive value of 80%. In summary, the available evidence is currently insufficient to determine the role of this variant in disease. Therefore, it has been classified as a Variant of Uncertain Significance.

NM_000037.4(ANK1):c.3862T>A (p.Leu1288Met)

Gene: ANK1 (ankyrin 1; minus strand). Cytogenetic location: 8p11.21.
Variant type: single nucleotide variant.
Coding change: c.3862T>A on transcript NM_000037.4 (MANE Select); coding-DNA position 3862, T replaced by A.
Protein change: p.Leu1288Met; replaces leucine 1288 with methionine.
Molecular consequence: missense variant.
Genome position (GRCh38, 1-based): chr8:41,690,596, A>T on the plus strand (T>A on the coding strand, the complement: ANK1 is on the minus strand). VCF-style: chr8-41690596-A-T. GRCh37 (hg19) VCF-style: chr8-41548114-A-T.
Other names: c.3985T>A, p.Leu1329Met (NM_001142446.2); c.3862T>A, p.Leu1288Met (NM_020475.3, NM_020476.3, NM_020477.3); short protein forms L1329M, L1288M.
Identifiers: ClinVar variation 4695705 (VCV004695705.1).